The following is an entry in ClinVar:

NM_001267550.2(TTN):c.66580G>A (p.Glu22194Lys)

Genes: TTN (titin; minus strand), TTN-AS1 (TTN antisense RNA 1; plus strand). Cytogenetic location: 2q31.2.
Variant type: single nucleotide variant.
Coding change: c.66580G>A on transcript NM_001267550.2 (MANE Select); coding-DNA position 66580, G replaced by A.
Protein change: p.Glu22194Lys; replaces glutamic acid 22194 with lysine.
Molecular consequence: missense variant.
Genome position (GRCh38, 1-based): chr2:178,581,688, C>T on the plus strand (G>A on the coding strand, the complement: TTN is on the minus strand). VCF-style: chr2-178581688-C-T. GRCh37 (hg19) VCF-style: chr2-179446415-C-T.
Other names: c.61657G>A, p.Glu20553Lys (NM_001256850.1); c.39385G>A, p.Glu13129Lys (NM_003319.4); c.58876G>A, p.Glu19626Lys (NM_133378.4); c.39760G>A, p.Glu13254Lys (NM_133432.3); c.39961G>A, p.Glu13321Lys (NM_133437.4); short protein forms E13254K, E19626K, E13321K, E22194K, E20553K, E13129K.
Identifiers: ClinVar variation 892727 (VCV000892727.7), dbSNP rs768049902, ClinGen allele CA1991474.

ClinVar aggregate classification (germline): Conflicting classifications of pathogenicity. Review status: criteria provided, conflicting classifications (1 of 4 stars). 7 submissions from 3 submitters: Uncertain significance (4); Benign (2); Likely benign (1). Last evaluated 2023-05-02.

Conditions:
Tibial muscular dystrophy (TMD). Also called: UDD MYOPATHY; Udd Distal Myopathy – Tibial Muscular Dystrophy; Tibial muscular dystrophy, tardive. Identifiers: Orphanet 609, MedGen C1838244, MONDO:0010870, OMIM 600334.
Dilated cardiomyopathy 1G (CMD1G). Identifiers: Orphanet 154, MedGen C1858763, MONDO:0011400, OMIM 604145.
Early-onset myopathy with fatal cardiomyopathy (CMYO5). Also called: CONGENITAL MYOPATHY 5 WITH CARDIOMYOPATHY; Salih Myopathy. Identifiers: Orphanet 289377, MedGen C2673677, MONDO:0012714, OMIM 611705. Disease mechanism: loss of function.
Myopathy, myofibrillar, 9, with early respiratory failure (MFM9). Also called: Hereditary myopathy with early respiratory failure; Myopathy, distal, with early respiratory failure, autosomal dominant; MYOPATHY, PROXIMAL, WITH EARLY RESPIRATORY MUSCLE INVOLVEMENT; EDSTROM MYOPATHY. Identifiers: Orphanet 178464, Orphanet 34521, MedGen C1863599, MONDO:0011362, OMIM 603689.
Autosomal recessive limb-girdle muscular dystrophy type 2J (LGMDR10). Also called: Limb-girdle muscular dystrophy, type 2J; MUSCULAR DYSTROPHY, LIMB-GIRDLE, AUTOSOMAL RECESSIVE 10. Identifiers: Orphanet 140922, MedGen C1837342, MONDO:0012127, OMIM 608807.
Hypertrophic cardiomyopathy. Also called: HYPERTROPHIC MYOCARDIOPATHY. Identifiers: Orphanet 217569, MedGen C0007194, MeSH D002312, MONDO:0005045, HP:0001639.

Allele frequency attached by ClinVar (database versions not stated): gnomAD below 0.00001 and 0.00002; gnomAD exomes 0.00004 and 0.00009; ExAC 0.00012.
gnomAD v4.1: 58 of 1,612,276 alleles (0.0036%); highest among the groups gnomAD compares: South Asian, 0.062%; 1 homozygote.

Submissions (7):

Blueprint Genetics
Classification: Likely benign. Last evaluated: 2023-05-02. Review status: criteria provided, single submitter. Criteria: ACMG Guidelines, 2015. Collection method: clinical testing. Allele origin: germline.

Illumina Laboratory Services, Illumina
Classification: Uncertain significance for Autosomal recessive limb-girdle muscular dystrophy type 2J. Last evaluated: 2018-01-12. Review status: criteria provided, single submitter. Criteria: ICSL Variant Classification Criteria 13 December 2019. Collection method: clinical testing. Allele origin: germline.

Illumina Laboratory Services, Illumina
Classification: Uncertain significance for Early-onset myopathy with fatal cardiomyopathy. Last evaluated: 2018-01-12. Review status: criteria provided, single submitter. Criteria: ICSL Variant Classification Criteria 13 December 2019. Collection method: clinical testing. Allele origin: germline.

Illumina Laboratory Services, Illumina
Classification: Uncertain significance for Dilated cardiomyopathy 1G. Last evaluated: 2018-01-12. Review status: criteria provided, single submitter. Criteria: ICSL Variant Classification Criteria 13 December 2019. Collection method: clinical testing. Allele origin: germline.

Illumina Laboratory Services, Illumina
Classification: Benign for Tibial muscular dystrophy. Last evaluated: 2018-01-12. Review status: criteria provided, single submitter. Criteria: ICSL Variant Classification Criteria 13 December 2019. Collection method: clinical testing. Allele origin: germline.
Comment: This variant was observed in the ICSL laboratory as part of a predisposition screen in an ostensibly healthy population. It had not been previously curated by ICSL or reported in the Human Gene Mutation Database (HGMD: prior to June 1st, 2018), and was therefore a candidate for classification through an automated scoring system. Utilizing variant allele frequency, disease prevalence and penetrance estimates, and inheritance mode, an automated score was calculated to assess if this variant is too frequent to cause the disease. Based on the score and internal cut-off values, a variant classified as benign is not then subjected to further curation. The score for this variant resulted in a classification of benign for this disease.

Illumina Laboratory Services, Illumina
Classification: Benign for Myopathy, myofibrillar, 9, with early respiratory failure. Last evaluated: 2018-01-12. Review status: criteria provided, single submitter. Criteria: ICSL Variant Classification Criteria 13 December 2019. Collection method: clinical testing. Allele origin: germline.
Comment: the same text as in the submission from Illumina Laboratory Services, Illumina above.

Genetics and Genomics Program, Sidra Medicine
Classification: Uncertain significance for Hypertrophic cardiomyopathy. Review status: criteria provided, single submitter. Criteria: ACMG Guidelines, 2015. Collection method: research. Allele origin: unknown. Affected: yes. Observed: 1 variant allele.